The following is an entry in ClinVar:

NM_194292.3(SASS6):c.1036G>T (p.Asp346Tyr)

Gene: SASS6 (SAS-6 centriolar assembly protein; minus strand). Cytogenetic location: 1p21.2.
Variant type: single nucleotide variant.
Coding change: c.1036G>T on transcript NM_194292.3 (MANE Select); coding-DNA position 1036, G replaced by T.
Protein change: p.Asp346Tyr; replaces aspartic acid 346 with tyrosine.
Molecular consequence: missense variant.
Genome position (GRCh38, 1-based): chr1:100,107,830, C>A on the plus strand (G>T on the coding strand, the complement: SASS6 is on the minus strand). VCF-style: chr1-100107830-C-A. GRCh37 (hg19) VCF-style: chr1-100573386-C-A.
Other names: c.535G>T, p.Asp179Tyr (NM_001304829.2); short protein forms D346Y, D179Y.
Identifiers: ClinVar variation 377058 (VCV000377058.3), dbSNP rs1057520119, ClinGen allele CA16603249.
Genomic context (GRCh38, chr1:100,107,830, plus strand): 5'-AATATGATTATCAATTTCTGAGAAAAATTTAAAAGTAGACCTTTTGTTCCTGGATTGTAT[C>A]AAATGCCTCTTTTGTTCTTAAAACAAGCTGGTCCTTATCCTTGATTTCCTGTTCTAAAAC-3'
Protein context (NP_919268.1, residues 336-356): QLVLRTKEAF[Asp346Tyr]TIQEQKVVLE

ClinVar aggregate classification (germline): Uncertain significance (1 of 4 stars; one submission).

Allele frequency attached by ClinVar (database versions not stated): TOPMed below 0.00001.

Submission:

Center for Pediatric Genomic Medicine, Children's Mercy Hospital and Clinics
Classification: Uncertain significance. Last evaluated: 2016-08-31. Review status: criteria provided, single submitter. Criteria: ACMG Guidelines, 2015. Collection method: clinical testing. Allele origin: germline.
ClinVar note: Converted during submission from Uncertain Significance to Uncertain significance.